The following is an entry in ClinVar:

ClinVar aggregate classification (germline): Uncertain significance. Review status: criteria provided, multiple submitters, no conflicts (2 of 4 stars). 2 submissions from 2 submitters: Uncertain significance (2). Last evaluated 2026-07-07.

Conditions:
Familial cancer of breast. Also called: Hereditary breast cancer; BREAST CANCER, FAMILIAL; hereditary breast carcinoma. Identifiers: Orphanet 227535, MedGen C0346153, MONDO:0016419, OMIM 114480. Disease mechanism: loss of function.
Hereditary cancer-predisposing syndrome. Also called: Tumor predisposition; Hereditary neoplastic syndrome; Hereditary Cancer Syndrome; Neoplastic Syndromes, Hereditary. Identifiers: Orphanet 140162, MedGen C0027672, MeSH D009386, MONDO:0015356.

Submissions (2):

Ambry Genetics
Classification: Uncertain significance for Hereditary cancer-predisposing syndrome. Last evaluated: 2026-07-07. Review status: criteria provided, single submitter. Criteria: Ambry Variant Classification Scheme 2023. Collection method: clinical testing. Allele origin: germline.
Comment: The p.P225R variant (also known as c.674C>G), located in coding exon 4 of the PALB2 gene, results from a C to G substitution at nucleotide position 674. The proline at codon 225 is replaced by arginine, an amino acid with dissimilar properties. This amino acid position is conserved. In addition, this alteration is predicted to be tolerated by in silico analysis. Based on the available evidence, the clinical significance of this variant remains unclear.

Labcorp Genetics (formerly Invitae), Labcorp
Classification: Uncertain significance for Familial cancer of breast. Last evaluated: 2024-12-09. Review status: criteria provided, single submitter. Criteria: Invitae Variant Classification Sherloc (09022015). Collection method: clinical testing. Allele origin: germline.
Comment: This sequence change replaces proline, which is neutral and non-polar, with arginine, which is basic and polar, at codon 225 of the PALB2 protein (p.Pro225Arg). This variant is not present in population databases (gnomAD no frequency). This variant has not been reported in the literature in individuals affected with PALB2-related conditions. An algorithm developed to predict the effect of missense changes on protein structure and function (PolyPhen-2) suggests that this variant is likely to be tolerated. In summary, the available evidence is currently insufficient to determine the role of this variant in disease. Therefore, it has been classified as a Variant of Uncertain Significance.

NM_024675.4(PALB2):c.674C>G (p.Pro225Arg)

Gene: PALB2 (partner and localizer of BRCA2; minus strand). Cytogenetic location: 16p12.2.
Variant type: single nucleotide variant.
Coding change: c.674C>G on transcript NM_024675.4 (MANE Select); coding-DNA position 674, C replaced by G.
Protein change: p.Pro225Arg; replaces proline 225 with arginine.
Molecular consequence: missense variant. On other transcripts: 5 prime UTR variant (8), intron variant (3).
Genome position (GRCh38, 1-based): chr16:23,635,872, G>C on the plus strand (C>G on the coding strand, the complement: PALB2 is on the minus strand). VCF-style: chr16-23635872-G-C. GRCh37 (hg19) VCF-style: chr16-23647193-G-C.
Other names: c.614C>G, p.Pro205Arg (NM_001407296.1); c.674C>G, p.Pro225Arg (NM_001407297.1, NM_001407298.1, NM_001407299.1 and 3 more transcripts); c.-212C>G (NM_001407304.1, NM_001407305.1, NM_001407306.1 and 5 more transcripts); c.48+5238C>G (NM_001407314.1); c.-105+5238C>G (NM_001407313.1, NM_001407312.1); short protein forms P205R, P225R.
Identifiers: ClinVar variation 3726955 (VCV003726955.3).